The following is an entry in ClinVar:

ClinVar aggregate classification (germline): Likely benign. Review status: criteria provided, single submitter (1 of 4 stars). 2 submissions from 2 submitters: Likely benign (1). 1 of the submissions does not count toward it. Last evaluated 2019-09-14.

Conditions:
Gorlin syndrome. Also called: Nevoid Basal Cell Carcinoma Syndrome; Basal cell nevus syndrome. Identifiers: Orphanet 377, MedGen C0004779, MONDO:0007187.
PTCH2-related disorder. Also called: PTCH2-related condition; PTCH2-related disease.

Allele frequency attached by ClinVar (database versions not stated): gnomAD exomes 0.00001 and 0.00003; gnomAD 0.00002 and 0.00003; ExAC 0.00003; TOPMed 0.00003.

Submissions (2):

Labcorp Genetics (formerly Invitae), Labcorp
Classification: Likely benign for Gorlin syndrome. Last evaluated: 2019-09-14. Review status: criteria provided, single submitter. Criteria: Invitae Variant Classification Sherloc (09022015). Collection method: clinical testing. Allele origin: germline.

PreventionGenetics, part of Exact Sciences
Classification: Likely benign for PTCH2-related condition. Last evaluated: 2023-02-25. Review status: no assertion criteria provided. Collection method: clinical testing. Allele origin: germline. Not counted in ClinVar's aggregate classification.
Comment: This variant is classified as likely benign based on ACMG/AMP sequence variant interpretation guidelines (Richards et al. 2015 PMID: 25741868, with internal and published modifications).

NM_003738.5(PTCH2):c.567C>T (p.Leu189=)

Gene: PTCH2 (patched 2; minus strand). Cytogenetic location: 1p34.1.
Variant type: single nucleotide variant.
Coding change: c.567C>T on transcript NM_003738.5 (MANE Select); coding-DNA position 567, C replaced by T.
Protein change: p.Leu189=; no amino-acid change (leucine 189 retained).
Molecular consequence: synonymous variant.
Genome position (GRCh38, 1-based): chr1:44,831,756, G>A on the plus strand (C>T on the coding strand, the complement: PTCH2 is on the minus strand). VCF-style: chr1-44831756-G-A. GRCh37 (hg19) VCF-style: chr1-45297428-G-A.
Other names: c.567C>T, p.Leu189= (NM_001166292.2).
Identifiers: ClinVar variation 701229 (VCV000701229.11), dbSNP rs781010476, ClinGen allele CA823579.